The following is an entry in ClinVar:

NM_001130144.3(LTBP3):c.876C>A (p.Asn292Lys)

Gene: LTBP3 (latent transforming growth factor beta binding protein 3; minus strand). Cytogenetic location: 11q13.1.
Variant type: single nucleotide variant.
Coding change: c.876C>A on transcript NM_001130144.3 (MANE Select); coding-DNA position 876, C replaced by A.
Protein change: p.Asn292Lys; replaces asparagine 292 with lysine.
Molecular consequence: missense variant.
Genome position (GRCh38, 1-based): chr11:65,553,519, G>T on the plus strand (C>A on the coding strand, the complement: LTBP3 is on the minus strand). VCF-style: chr11-65553519-G-T. GRCh37 (hg19) VCF-style: chr11-65320990-G-T.
Other names: c.525C>A, p.Asn175Lys (NM_001164266.1); c.876C>A, p.Asn292Lys (NM_021070.4); short protein forms N292K, N175K.
Identifiers: ClinVar variation 2794137 (VCV002794137.3), dbSNP rs770190343, ClinGen allele CA6101133.

ClinVar aggregate classification (germline): Uncertain significance (1 of 4 stars; one submission).

Conditions:
Brachyolmia-amelogenesis imperfecta syndrome. Also called: PLATYSPONDYLY WITH AMELOGENESIS IMPERFECTA; Tooth agenesis, selective, 6; Dental anomalies and short stature. Identifiers: Orphanet 2899, MedGen C1832594, MONDO:0011018, OMIM 601216. Disease mechanism: loss of function.

Allele frequency attached by ClinVar (database versions not stated): ExAC 0.00001; gnomAD exomes 0.00001.

Submission:

Labcorp Genetics (formerly Invitae), Labcorp
Classification: Uncertain significance for Brachyolmia-amelogenesis imperfecta syndrome. Last evaluated: 2025-01-06. Review status: criteria provided, single submitter. Criteria: Invitae Variant Classification Sherloc (09022015). Collection method: clinical testing. Allele origin: germline.
Comment: This sequence change replaces asparagine, which is neutral and polar, with lysine, which is basic and polar, at codon 292 of the LTBP3 protein (p.Asn292Lys). This variant is present in population databases (rs770190343, gnomAD 0.0008%). This variant has not been reported in the literature in individuals affected with LTBP3-related conditions. ClinVar contains an entry for this variant (Variation ID: 2794137). An algorithm developed to predict the effect of missense changes on protein structure and function (PolyPhen-2) suggests that this variant is likely to be disruptive. In summary, the available evidence is currently insufficient to determine the role of this variant in disease. Therefore, it has been classified as a Variant of Uncertain Significance.